The following is an entry in ClinVar:

NM_001457.4(FLNB):c.6683T>C (p.Ile2228Thr)

Gene: FLNB (filamin B; plus strand). Cytogenetic location: 3p14.3.
Variant type: single nucleotide variant.
Coding change: c.6683T>C on transcript NM_001457.4 (MANE Select); coding-DNA position 6683, T replaced by C.
Protein change: p.Ile2228Thr; replaces isoleucine 2228 with threonine.
Molecular consequence: missense variant.
Genome position (GRCh38, 1-based): chr3:58,154,839, T>C. VCF-style: chr3-58154839-T-C. GRCh37 (hg19) VCF-style: chr3-58140566-T-C.
Other names: c.6611T>C, p.Ile2204Thr (NM_001164319.2); c.6650T>C, p.Ile2217Thr (NM_001164318.2); c.6776T>C, p.Ile2259Thr (NM_001164317.2); short protein forms I2228T, I2204T, I2217T, I2259T.
Identifiers: ClinVar variation 197409 (VCV000197409.20), dbSNP rs149629209, ClinGen allele CA202873.

ClinVar aggregate classification (germline): Conflicting classifications of pathogenicity. Review status: criteria provided, conflicting classifications (1 of 4 stars). 6 submissions from 6 submitters: Uncertain significance (2); Likely benign (3). 1 of the submissions does not count toward it. Last evaluated 2025-12-21.

Conditions:
FLNB-related disorder. Also called: FLNB-related disorders; FLNB-related condition. Identifiers: MedGen CN381095.
Connective tissue disorder. Also called: Connective tissue disease. Identifiers: MedGen C0009782, MONDO:0003900.
Inborn genetic diseases. Identifiers: MedGen C0950123, MeSH D030342.

Allele frequency attached by ClinVar (database versions not stated): gnomAD exomes 0.00012 and 0.00025; ExAC 0.00035; 1000 Genomes Project 0.00060; 1000 Genomes Project 30x 0.00078; gnomAD 0.00133 and 0.00148; TOPMed 0.00155; ESP Exome Variant Server 0.00169.
gnomAD v4.1: 377 of 1,613,660 alleles (0.023%); highest among the groups gnomAD compares: African/African-American, 0.48%; no homozygotes.

Submissions (6):

Labcorp Genetics (formerly Invitae), Labcorp
Classification: Likely benign. Last evaluated: 2025-12-21. Review status: criteria provided, single submitter. Criteria: Invitae Variant Classification Sherloc (09022015). Collection method: clinical testing. Allele origin: germline.

GeneDx
Classification: Uncertain significance. Last evaluated: 2023-07-29. Review status: criteria provided, single submitter. Criteria: GeneDx Variant Classification Process June 2021. Collection method: clinical testing. Allele origin: germline. Affected: yes.
Comment: In silico analysis supports that this missense variant has a deleterious effect on protein structure/function; Has not been previously published as pathogenic or benign to our knowledge

Ambry Genetics
Classification: Likely benign for Inborn genetic diseases. Last evaluated: 2022-07-26. Review status: criteria provided, single submitter. Criteria: Ambry Variant Classification Scheme 2023. Collection method: clinical testing. Allele origin: germline.

Genome Diagnostics Laboratory, The Hospital for Sick Children
Classification: Uncertain significance for Connective tissue disorder. Last evaluated: 2020-03-01. Review status: criteria provided, single submitter. Criteria: ACMG Guidelines, 2015. Collection method: clinical testing. Allele origin: germline.

Eurofins Ntd Llc (ga)
Classification: Likely benign. Last evaluated: 2015-02-27. Review status: criteria provided, single submitter. Criteria: EGL Classification Definitions 2015. Collection method: clinical testing. Allele origin: germline. Observed: 1 variant allele, 1 homozygote.

PreventionGenetics, part of Exact Sciences
Classification: Likely benign for FLNB-related condition. Last evaluated: 2023-07-24. Review status: no assertion criteria provided. Collection method: clinical testing. Allele origin: germline. Not counted in ClinVar's aggregate classification.
Comment: This variant is classified as likely benign based on ACMG/AMP sequence variant interpretation guidelines (Richards et al. 2015 PMID: 25741868, with internal and published modifications).